The following is an entry in ClinVar:

NM_001369.3(DNAH5):c.3179A>T (p.Lys1060Met)

Genes: DNAH5-AS1 (DNAH5 antisense RNA 1; plus strand), DNAH5 (dynein axonemal heavy chain 5; minus strand). Cytogenetic location: 5p15.2.
Variant type: single nucleotide variant.
Coding change: c.3179A>T on transcript NM_001369.3 (MANE Select); coding-DNA position 3179, A replaced by T.
Protein change: p.Lys1060Met; replaces lysine 1060 with methionine.
Molecular consequence: missense variant.
Genome position (GRCh38, 1-based): chr5:13,882,811, T>A on the plus strand (A>T on the coding strand, the complement: DNAH5 is on the minus strand). VCF-style: chr5-13882811-T-A. GRCh37 (hg19) VCF-style: chr5-13882920-T-A.
Other names: short protein forms K1060M.
Identifiers: ClinVar variation 351193 (VCV000351193.26), dbSNP rs145672251, ClinGen allele CA3204354.

ClinVar aggregate classification (germline): Conflicting classifications of pathogenicity. Review status: criteria provided, conflicting classifications (1 of 4 stars). 8 submissions from 8 submitters: Uncertain significance (5); Likely benign (2). 1 of the submissions does not count toward it. Last evaluated 2025-12-24.

Conditions:
Primary ciliary dyskinesia 3. Identifiers: Orphanet 244, MedGen C1837618, MONDO:0012085, OMIM 608644.
Primary ciliary dyskinesia. Also called: Ciliary dyskinesia. Identifiers: Orphanet 244, MedGen C0008780, MONDO:0016575, HP:0012265.

Allele frequency attached by ClinVar (database versions not stated): 1000 Genomes Project 0.00020; gnomAD exomes 0.00025; ExAC 0.00028; 1000 Genomes Project 30x 0.00031; ESP Exome Variant Server 0.00031; gnomAD 0.00036 and 0.00037; TOPMed 0.00039.
gnomAD v4.1: 822 of 1,613,924 alleles (0.051%); highest among the groups gnomAD compares: Non-Finnish European, 0.064%; 2 homozygotes.

Submissions (8):

Labcorp Genetics (formerly Invitae), Labcorp
Classification: Likely benign for Primary ciliary dyskinesia. Last evaluated: 2025-12-24. Review status: criteria provided, single submitter. Criteria: Invitae Variant Classification Sherloc (09022015). Collection method: clinical testing. Allele origin: germline.

Blueprint Genetics
Classification: Uncertain significance. Last evaluated: 2024-11-06. Review status: criteria provided, single submitter. Criteria: ACMG Guidelines, 2015. Collection method: clinical testing. Allele origin: germline.

Ambry Genetics
Classification: Uncertain significance for Primary ciliary dyskinesia. Last evaluated: 2022-10-11. Review status: criteria provided, single submitter. Criteria: Ambry Variant Classification Scheme 2023. Collection method: clinical testing. Allele origin: germline.
Comment: The p.K1060M variant (also known as c.3179A>T), located in coding exon 21 of the DNAH5 gene, results from an A to T substitution at nucleotide position 3179. The lysine at codon 1060 is replaced by methionine, an amino acid with similar properties. This amino acid position is not well conserved in available vertebrate species. In addition, this alteration is predicted to be tolerated by in silico analysis. Since supporting evidence is limited at this time, the clinical significance of this alteration remains unclear.

Johns Hopkins Genomics, Johns Hopkins University
Classification: Likely benign for Primary ciliary dyskinesia 3. Last evaluated: 2022-01-07. Review status: criteria provided, single submitter. Criteria: ACMG Guidelines, 2015. Collection method: clinical testing. Allele origin: germline.

GeneDx
Classification: Uncertain significance. Last evaluated: 2021-10-05. Review status: criteria provided, single submitter. Criteria: GeneDx Variant Classification Process June 2021. Collection method: clinical testing. Allele origin: germline. Affected: yes.
Comment: In silico analysis supports that this missense variant does not alter protein structure/function; Has not been previously published as pathogenic or benign to our knowledge

Revvity Omics, Revvity
Classification: Uncertain significance for Primary ciliary dyskinesia 3. Last evaluated: 2020-10-29. Review status: criteria provided, single submitter. Criteria: ACMG Guidelines, 2015. Collection method: clinical testing. Allele origin: germline.

Illumina Laboratory Services, Illumina
Classification: Uncertain significance for Primary ciliary dyskinesia 3. Last evaluated: 2018-01-13. Review status: criteria provided, single submitter. Criteria: ICSL Variant Classification Criteria 13 December 2019. Collection method: clinical testing. Allele origin: germline.

Natera, Inc.
Classification: Uncertain significance for Primary ciliary dyskinesia. Last evaluated: 2020-09-16. Review status: no assertion criteria provided. Collection method: clinical testing. Allele origin: germline. Not counted in ClinVar's aggregate classification.